The following is an entry in ClinVar:

ClinVar aggregate classification (germline): Uncertain significance (1 of 4 stars; one submission).

Submission:

Ambry Genetics
Classification: Uncertain significance. Last evaluated: 2025-04-06. Review status: criteria provided, single submitter. Criteria: Ambry Variant Classification Scheme 2023. Collection method: clinical testing. Allele origin: germline.
Comment: The p.H134D variant (also known as c.400C>G), located in coding exon 3 of the GFI1 gene, results from a C to G substitution at nucleotide position 400. The histidine at codon 134 is replaced by aspartic acid, an amino acid with similar properties. This amino acid position is conserved. In addition, this alteration is predicted to be tolerated by in silico analysis. Based on the available evidence, the clinical significance of this variant remains unclear.

NM_005263.5(GFI1):c.400C>G (p.His134Asp)

Gene: GFI1 (growth factor independent 1 transcriptional repressor; minus strand). Cytogenetic location: 1p22.1.
Variant type: single nucleotide variant.
Coding change: c.400C>G on transcript NM_005263.5 (MANE Select); coding-DNA position 400, C replaced by G.
Protein change: p.His134Asp; replaces histidine 134 with aspartic acid.
Molecular consequence: missense variant.
Genome position (GRCh38, 1-based): chr1:92,480,987, G>C on the plus strand (C>G on the coding strand, the complement: GFI1 is on the minus strand). VCF-style: chr1-92480987-G-C. GRCh37 (hg19) VCF-style: chr1-92946544-G-C.
Other names: c.400C>G, p.His134Asp (NM_001127215.3, NM_001127216.3); short protein forms H134D.
Identifiers: ClinVar variation 4029386 (VCV004029386.1).